The following is an entry in ClinVar:

ClinVar aggregate classification (germline): Benign/Likely benign. Review status: criteria provided, multiple submitters, no conflicts (2 of 4 stars). 6 submissions from 6 submitters: Benign (2); Likely benign (3). 1 of the submissions does not count toward it. Last evaluated 2026-08-01.

Conditions:
EPG5-related disorder. Also called: EPG5-related condition. Identifiers: MedGen CN381528.
Vici syndrome (VICIS). Identifiers: Orphanet 1493, MedGen C1855772, MONDO:0009452, OMIM 242840.

Allele frequency attached by ClinVar (database versions not stated): 1000 Genomes Project 0.00619; 1000 Genomes Project 30x 0.00625; TOPMed 0.00843; gnomAD 0.00844; ESP Exome Variant Server 0.00982.
gnomAD v4.1: 19,434 of 1,610,766 alleles (1.2%); highest among the groups gnomAD compares: Non-Finnish European, 1.4%; 147 homozygotes.

Submissions (6):

CeGaT Center for Human Genetics Tuebingen
Classification: Benign. Last evaluated: 2026-08-01. Review status: criteria provided, single submitter. Criteria: CeGaT Center For Human Genetics Tuebingen Variant Classification Criteria Version 2. Collection method: clinical testing. Allele origin: germline. Affected: yes. Observed: 46 variant alleles.
Comment: EPG5: BP4, BP7, BS1, BS2

Labcorp Genetics (formerly Invitae), Labcorp
Classification: Benign for Vici syndrome. Last evaluated: 2026-02-04. Review status: criteria provided, single submitter. Criteria: Invitae Variant Classification Sherloc (09022015). Collection method: clinical testing. Allele origin: germline.

Blueprint Genetics
Classification: Likely benign. Last evaluated: 2024-11-28. Review status: criteria provided, single submitter. Criteria: ACMG Guidelines, 2015. Collection method: clinical testing. Allele origin: germline.

GeneDx
Classification: Likely benign. Last evaluated: 2019-12-23. Review status: criteria provided, single submitter. Criteria: GeneDx Variant Classification Process June 2021. Collection method: clinical testing. Allele origin: germline. Affected: yes.

Breakthrough Genomics
Classification: Likely benign. Review status: criteria provided, single submitter. Criteria: ACMG Guidelines, 2015. Collection method: not provided. Allele origin: germline. Inheritance: Autosomal recessive inheritance. Affected: yes.

PreventionGenetics, part of Exact Sciences
Classification: Benign for EPG5-related condition. Last evaluated: 2019-05-08. Review status: no assertion criteria provided. Collection method: clinical testing. Allele origin: germline. Not counted in ClinVar's aggregate classification.
Comment: This variant is classified as benign based on ACMG/AMP sequence variant interpretation guidelines (Richards et al. 2015 PMID: 25741868, with internal and published modifications).

NM_020964.3(EPG5):c.3279C>T (p.Ser1093=)

Gene: EPG5 (ectopic P-granules 5 autophagy tethering factor; minus strand). Cytogenetic location: 18q21.1.
Variant type: single nucleotide variant.
Coding change: c.3279C>T on transcript NM_020964.3 (MANE Select); coding-DNA position 3279, C replaced by T.
Protein change: p.Ser1093=; no amino-acid change (serine 1093 retained).
Molecular consequence: synonymous variant.
Genome position (GRCh38, 1-based): chr18:45,916,543, G>A on the plus strand (C>T on the coding strand, the complement: EPG5 is on the minus strand). VCF-style: chr18-45916543-G-A. GRCh37 (hg19) VCF-style: chr18-43496508-G-A.
Other names: c.3279C>T, p.Ser1093= (LRG_1234t1).
Identifiers: ClinVar variation 466246 (VCV000466246.44), dbSNP rs72918350, ClinGen allele CA8949213.
Genomic context (GRCh38, chr18:45,916,543, plus strand): 5'-TCCTGTCAGGTGCTGTGCCACCTTGTGGGTGACCTGTTGTGTGACACCCTGAGGGACACC[G>A]CTGTCCAAGTGTAGGAACAAGAGGAGATGCGATAAAAACCTGCCAAGCACACAGGAGGAC-3'
Protein context (NP_066015.2, residues 1083-1103): SHLLLFLHLD[Ser1093=]GVPQGVTQQV